The following is an entry in ClinVar:

ClinVar aggregate classification (germline): Uncertain significance (1 of 4 stars; one submission).

Conditions:
Intellectual developmental disorder, X-linked, syndromic, Turner type. Also called: X-linked intellectual disability, Turner type; Intellectual disability, X-linked syndromic, Turner type. Identifiers: Orphanet 3056, Orphanet 85328, MedGen C2678046, MONDO:0010407, OMIM 309590.

Submission:

HudsonAlpha Institute for Biotechnology
Classification: Uncertain significance for Intellectual developmental disorder, X-linked, syndromic, Turner type. Last evaluated: 2022-01-28. Review status: criteria provided, single submitter. Criteria: ACMG Guidelines, 2015. Collection method: research. Allele origin: maternal. Observed: 1 variant allele. Study: HudsonAlpha-AGHI-WGS.
Comment: ACMG codes: PM2, PP3

NM_031407.7(HUWE1):c.8974C>G (p.Arg2992Gly)

Gene: HUWE1 (HECT, UBA and WWE domain containing E3 ubiquitin protein ligase 1; minus strand). Cytogenetic location: Xp11.22.
Variant type: single nucleotide variant.
Coding change: c.8974C>G on transcript NM_031407.7 (MANE Select); coding-DNA position 8974, C replaced by G.
Protein change: p.Arg2992Gly; replaces arginine 2992 with glycine.
Molecular consequence: missense variant.
Genome position (GRCh38, 1-based): chrX:53,551,388, G>C on the plus strand (C>G on the coding strand, the complement: HUWE1 is on the minus strand). VCF-style: chrX-53551388-G-C. GRCh37 (hg19) VCF-style: chrX-53578349-G-C.
Other names: short protein forms R2992G.
Identifiers: ClinVar variation 1684512 (VCV001684512.1), dbSNP rs1401359685, ClinGen allele CA413143427.